The following is an entry in ClinVar:

NM_013339.4(ALG6):c.618C>T (p.His206=)

Gene: ALG6 (ALG6 alpha-1,3-glucosyltransferase; plus strand). Cytogenetic location: 1p31.3.
Variant type: single nucleotide variant.
Coding change: c.618C>T on transcript NM_013339.4 (MANE Select); coding-DNA position 618, C replaced by T.
Protein change: p.His206=; no amino-acid change (histidine 206 retained).
Molecular consequence: synonymous variant.
Genome position (GRCh38, 1-based): chr1:63,411,269, C>T. VCF-style: chr1-63411269-C-T. GRCh37 (hg19) VCF-style: chr1-63876940-C-T.
Other names: c.618C>T (NM_013339.3).
Identifiers: ClinVar variation 1091389 (VCV001091389.15), dbSNP rs374336458, ClinGen allele CA888208.

ClinVar aggregate classification (germline): Conflicting classifications of pathogenicity. Review status: criteria provided, conflicting classifications (1 of 4 stars). 4 submissions from 4 submitters: Uncertain significance (1); Likely benign (2). 1 of the submissions does not count toward it. Last evaluated 2025-12-26.

Conditions:
ALG6-related disorder. Also called: ALG6-related condition.
ALG6-congenital disorder of glycosylation 1C (CDG1C). Also called: CDG Ic; CARBOHYDRATE-DEFICIENT GLYCOPROTEIN SYNDROME, TYPE I, WITH DEFICIENT GLYCOSYLATION OF DOLICHOL-LINKED OLIGOSACCHARIDE; CARBOHYDRATE-DEFICIENT GLYCOPROTEIN SYNDROME, TYPE V; Congenital disorder of glycosylation type 1C; Congenital disorder of glycosylation, type Ic. Identifiers: Orphanet 79320, MedGen C2930997, MONDO:0011291, OMIM 603147.

Allele frequency attached by ClinVar (database versions not stated): gnomAD 0.00004 and 0.00006; gnomAD exomes 0.00005 and 0.00014; TOPMed 0.00005; ESP Exome Variant Server 0.00008; ExAC 0.00020; 1000 Genomes Project 30x 0.00047; 1000 Genomes Project 0.00060.
gnomAD v4.1: 81 of 1,613,890 alleles (0.005%); highest among the groups gnomAD compares: South Asian, 0.067%; no homozygotes.

Submissions (4):

Labcorp Genetics (formerly Invitae), Labcorp
Classification: Likely benign for ALG6-congenital disorder of glycosylation 1C. Last evaluated: 2025-12-26. Review status: criteria provided, single submitter. Criteria: Invitae Variant Classification Sherloc (09022015). Collection method: clinical testing. Allele origin: germline.

PreventionGenetics, part of Exact Sciences
Classification: Likely benign for ALG6-related condition. Last evaluated: 2025-05-02. Review status: criteria provided, single submitter. Criteria: ACMG Guidelines, 2015. Collection method: clinical testing. Allele origin: germline.
Comment: This variant is classified as likely benign based on ACMG/AMP sequence variant interpretation guidelines (Richards et al. 2015 PMID: 25741868, with internal and published modifications).

Revvity Omics, Revvity
Classification: Uncertain significance for ALG6-congenital disorder of glycosylation 1C. Last evaluated: 2020-01-09. Review status: criteria provided, single submitter. Criteria: ACMG Guidelines, 2015. Collection method: clinical testing. Allele origin: germline.

Natera, Inc.
Classification: Likely benign for Congenital disorder of glycosylation type 1c. Last evaluated: 2021-03-12. Review status: no assertion criteria provided. Collection method: clinical testing. Allele origin: germline. Not counted in ClinVar's aggregate classification.